The following is an entry in ClinVar:

NM_004186.5(SEMA3F):c.2084A>G (p.His695Arg)

Gene: SEMA3F (semaphorin 3F; plus strand). Cytogenetic location: 3p21.31.
Variant type: single nucleotide variant.
Coding change: c.2084A>G on transcript NM_004186.5 (MANE Select); coding-DNA position 2084, A replaced by G.
Protein change: p.His695Arg; replaces histidine 695 with arginine.
Molecular consequence: missense variant.
Genome position (GRCh38, 1-based): chr3:50,187,841, A>G. VCF-style: chr3-50187841-A-G. GRCh37 (hg19) VCF-style: chr3-50225274-A-G.
Other names: c.1787A>G, p.His596Arg (NM_001318798.2); c.1991A>G, p.His664Arg (NM_001318800.2); short protein forms H596R, H664R, H695R.
Identifiers: ClinVar variation 3350740 (VCV003350740.1).

ClinVar aggregate classification (germline): Uncertain significance (0 of 4 stars; one submission).

Conditions:
SEMA3F-related disorder. Also called: SEMA3F-related condition.

gnomAD v4.1: 22 of 1,613,426 alleles (0.0014%); highest among the groups gnomAD compares: Non-Finnish European, 0.0019%; no homozygotes.

Submission:

PreventionGenetics, part of Exact Sciences
Classification: Uncertain significance for SEMA3F-related condition. Last evaluated: 2024-08-02. Review status: no assertion criteria provided. Collection method: clinical testing. Allele origin: germline.
Comment: The SEMA3F c.2084A>G variant is predicted to result in the amino acid substitution p.His695Arg. To our knowledge, this variant has not been reported in the literature. This variant is reported in 0.00088% of alleles in individuals of European (Non-Finnish) descent in gnomAD. At this time, the clinical significance of this variant is uncertain due to the absence of conclusive functional and genetic evidence.